The following is an entry in ClinVar:

NM_022089.4(ATP13A2):c.942C>T (p.Pro314=)

Gene: ATP13A2 (ATPase cation transporting 13A2; minus strand). Cytogenetic location: 1p36.13.
Variant type: single nucleotide variant.
Coding change: c.942C>T on transcript NM_022089.4 (MANE Select); coding-DNA position 942, C replaced by T.
Protein change: p.Pro314=; no amino-acid change (proline 314 retained).
Molecular consequence: synonymous variant.
Genome position (GRCh38, 1-based): chr1:17,000,108, G>A on the plus strand (C>T on the coding strand, the complement: ATP13A2 is on the minus strand). VCF-style: chr1-17000108-G-A. GRCh37 (hg19) VCF-style: chr1-17326603-G-A.
Other names: c.927C>T, p.Pro309= (NM_001141973.3, NM_001141974.3).
Identifiers: ClinVar variation 1547876 (VCV001547876.17), dbSNP rs551559306, ClinGen allele CA18641729.

ClinVar aggregate classification (germline): Likely benign. Review status: criteria provided, multiple submitters, no conflicts (2 of 4 stars). 3 submissions from 3 submitters: Likely benign (3). Last evaluated 2025-12-31.

Conditions:
Kufor-Rakeb syndrome (KRS). Also called: PARKINSON DISEASE 9, AUTOSOMAL RECESSIVE, JUVENILE-ONSET. Identifiers: Orphanet 306674, Orphanet 314632, MedGen C1847640, MONDO:0011706, OMIM 606693.
Autosomal recessive spastic paraplegia type 78. Identifiers: Orphanet 513436, MedGen C5567893, MONDO:0014975, OMIM 617225.

gnomAD v4.1: 19 of 1,613,330 alleles (0.0012%); highest among the groups gnomAD compares: Middle Eastern, 0.016%; no homozygotes.

Submissions (3):

Labcorp Genetics (formerly Invitae), Labcorp
Classification: Likely benign for Kufor-Rakeb syndrome; Autosomal recessive spastic paraplegia type 78. Last evaluated: 2025-12-31. Review status: criteria provided, single submitter. Criteria: Invitae Variant Classification Sherloc (09022015). Collection method: clinical testing. Allele origin: germline.

CeGaT Center for Human Genetics Tuebingen
Classification: Likely benign. Last evaluated: 2025-08-01. Review status: criteria provided, single submitter. Criteria: CeGaT Center For Human Genetics Tuebingen Variant Classification Criteria Version 2. Collection method: clinical testing. Allele origin: germline. Affected: yes. Observed: 1 variant allele.
Comment: ATP13A2: BP4, BP7

Blueprint Genetics
Classification: Likely benign. Last evaluated: 2023-07-04. Review status: criteria provided, single submitter. Criteria: ACMG Guidelines, 2015. Collection method: clinical testing. Allele origin: germline.